The following is an entry in ClinVar:

ClinVar aggregate classification (germline): Uncertain significance. Review status: criteria provided, multiple submitters, no conflicts (2 of 4 stars). 5 submissions from 5 submitters: Uncertain significance (5). Last evaluated 2025-12-01.

Conditions:
Autosomal recessive ataxia, Beauce type. Also called: ATAXIA, RECESSIVE, OF BEAUCE; SYNE1 Deficiency; SYNE1-Related Autosomal Recessive Cerebellar Ataxia; Spinocerebellar ataxia, autosomal recessive 8. Identifiers: Orphanet 88644, MedGen C1853116, MONDO:0012549, OMIM 610743.
Emery-Dreifuss muscular dystrophy 4, autosomal dominant (EDMD4). Also called: EMERY-DREIFUSS MUSCULAR DYSTROPHY 4 WITH VARIABLE FEATURES. Identifiers: Orphanet 261, MedGen C2751807, MONDO:0013071, OMIM 612998.

Allele frequency attached by ClinVar (database versions not stated): gnomAD 0.00001; TOPMed 0.00002; gnomAD exomes 0.00005 and 0.00006; ExAC 0.00010.
gnomAD v4.1: 71 of 1,614,026 alleles (0.0044%); highest among the groups gnomAD compares: Non-Finnish European, 0.0058%; no homozygotes.

Submissions (5):

CeGaT Center for Human Genetics Tuebingen
Classification: Uncertain significance. Last evaluated: 2025-12-01. Review status: criteria provided, single submitter. Criteria: CeGaT Center For Human Genetics Tuebingen Variant Classification Criteria Version 2. Collection method: clinical testing. Allele origin: germline. Affected: yes. Observed: 1 variant allele.
Comment: SYNE1: PM2, BP4

Labcorp Genetics (formerly Invitae), Labcorp
Classification: Uncertain significance for Emery-Dreifuss muscular dystrophy 4, autosomal dominant; Autosomal recessive ataxia, Beauce type. Last evaluated: 2022-08-31. Review status: criteria provided, single submitter. Criteria: Invitae Variant Classification Sherloc (09022015). Collection method: clinical testing. Allele origin: germline.
Comment: This sequence change replaces lysine, which is basic and polar, with arginine, which is basic and polar, at codon 7201 of the SYNE1 protein (p.Lys7201Arg). This variant is present in population databases (rs764715827, gnomAD 0.01%). This variant has not been reported in the literature in individuals affected with SYNE1-related conditions. ClinVar contains an entry for this variant (Variation ID: 440316). Algorithms developed to predict the effect of missense changes on protein structure and function output the following: SIFT: "Deleterious"; PolyPhen-2: "Benign"; Align-GVGD: "Class C25". The arginine amino acid residue is found in multiple mammalian species, which suggests that this missense change does not adversely affect protein function. In summary, the available evidence is currently insufficient to determine the role of this variant in disease. Therefore, it has been classified as a Variant of Uncertain Significance.

Athena Diagnostics
Classification: Uncertain significance. Last evaluated: 2019-03-20. Review status: criteria provided, single submitter. Criteria: Athena Diagnostics Criteria. Collection method: clinical testing. Allele origin: germline.

ARUP Laboratories, Molecular Genetics and Genomics, ARUP Laboratories
Classification: Uncertain significance. Last evaluated: 2019-01-04. Review status: criteria provided, single submitter. Criteria: ARUP Molecular Germline Variant Investigation Process. Collection method: clinical testing. Allele origin: germline.

Eurofins Ntd Llc (ga)
Classification: Uncertain significance. Last evaluated: 2017-02-27. Review status: criteria provided, single submitter. Criteria: EGL Classification Definitions 2015. Collection method: clinical testing. Allele origin: germline. Observed: 1 variant allele, 1 heterozygote.

NM_182961.4(SYNE1):c.21815A>G (p.Lys7272Arg)

Gene: SYNE1 (spectrin repeat containing nuclear envelope protein 1; minus strand). Cytogenetic location: 6q25.2.
Variant type: single nucleotide variant.
Coding change: c.21815A>G on transcript NM_182961.4 (MANE Select); coding-DNA position 21815, A replaced by G.
Protein change: p.Lys7272Arg; replaces lysine 7272 with arginine.
Molecular consequence: missense variant.
Genome position (GRCh38, 1-based): chr6:152,220,888, T>C on the plus strand (A>G on the coding strand, the complement: SYNE1 is on the minus strand). VCF-style: chr6-152220888-T-C. GRCh37 (hg19) VCF-style: chr6-152542023-T-C.
Other names: c.21602A>G, p.Lys7201Arg (NM_033071.5); short protein forms K7201R, K7272R.
Identifiers: ClinVar variation 440316 (VCV000440316.21), dbSNP rs764715827, ClinGen allele CA4054055.